The following is an entry in ClinVar:

NM_001005242.3(PKP2):c.631C>T (p.Gln211Ter)

Gene: PKP2 (plakophilin 2; minus strand). Cytogenetic location: 12p11.21.
Variant type: single nucleotide variant.
Coding change: c.631C>T on transcript NM_001005242.3 (MANE Select); coding-DNA position 631, C replaced by T.
Protein change: p.Gln211Ter; replaces glutamine 211 with a stop codon.
Molecular consequence: nonsense.
Genome position (GRCh38, 1-based): chr12:32,878,249, G>A on the plus strand (C>T on the coding strand, the complement: PKP2 is on the minus strand). VCF-style: chr12-32878249-G-A. GRCh37 (hg19) VCF-style: chr12-33031183-G-A.
Other names: c.631C>T, p.Gln211Ter (NM_001407155.1, NM_001407156.1, NM_001407157.1 and 2 more transcripts); c.304C>T, p.Gln102Ter (NM_001407158.1, NM_001407159.1, NM_001407160.1 and 1 more transcripts); short protein forms Q102*, Q211*.
Identifiers: ClinVar variation 3367265 (VCV003367265.3).

ClinVar aggregate classification (germline): Pathogenic. Review status: criteria provided, multiple submitters, no conflicts (2 of 4 stars). 2 submissions from 2 submitters: Pathogenic (2). Last evaluated 2024-04-25.

Conditions:
Arrhythmogenic right ventricular dysplasia 9 (ARVD9). Also called: ARRHYTHMOGENIC RIGHT VENTRICULAR DYSPLASIA, FAMILIAL, 9; Arrhythmogenic Right Ventricular Dysplasia/Cardiomyopathy 9. Identifiers: MedGen C1836906, MONDO:0012180, OMIM 609040.

Submissions (2):

GeneDx
Classification: Pathogenic. Last evaluated: 2024-04-25. Review status: criteria provided, single submitter. Criteria: GeneDx Variant Classification Process June 2021. Collection method: clinical testing. Allele origin: germline. Affected: yes.
Comment: Not observed at significant frequency in large population cohorts (gnomAD); Nonsense variant predicted to result in protein truncation or nonsense mediated decay in a gene for which loss of function is a known mechanism of disease; This variant is associated with the following publications: (PMID: 25525159, 19427443, 32102357, 25765472, 31402444, 24070718)

Juno Genomics, Hangzhou Juno Genomics, Inc
Classification: Pathogenic for Arrhythmogenic right ventricular dysplasia 9. Review status: criteria provided, single submitter. Criteria: ACMG Guidelines, 2015. Collection method: clinical testing. Allele origin: germline.
Comment: Absent from controls (or at extremely low frequency if recessive) in Genome Aggregation Database.;Null variant in a gene where loss of function (LOF) is a known mechanism of disease.;The prevalence of the variant in affected individuals is significantly increased compared to the prevalence in controls.